The following is an entry in ClinVar:

ClinVar aggregate classification (germline): Uncertain significance (1 of 4 stars; one submission).

Allele frequency attached by ClinVar (database versions not stated): gnomAD 0.00001; 1000 Genomes Project 30x 0.00016.

Submission:

Labcorp Genetics (formerly Invitae), Labcorp
Classification: Uncertain significance. Last evaluated: 2022-02-04. Review status: criteria provided, single submitter. Criteria: Invitae Variant Classification Sherloc (09022015). Collection method: clinical testing. Allele origin: germline.
Comment: This sequence change replaces asparagine, which is neutral and polar, with tyrosine, which is neutral and polar, at codon 281 of the PEX3 protein (p.Asn281Tyr). In summary, the available evidence is currently insufficient to determine the role of this variant in disease. Therefore, it has been classified as a Variant of Uncertain Significance. Algorithms developed to predict the effect of missense changes on protein structure and function are either unavailable or do not agree on the potential impact of this missense change (SIFT: "Deleterious"; PolyPhen-2: "Benign"; Align-GVGD: "Class C35"). ClinVar contains an entry for this variant (Variation ID: 953302). This variant has not been reported in the literature in individuals affected with PEX3-related conditions. This variant is not present in population databases (gnomAD no frequency).

NM_003630.3(PEX3):c.841A>T (p.Asn281Tyr)

Gene: PEX3 (peroxisomal biogenesis factor 3; plus strand). Cytogenetic location: 6q24.2.
Variant type: single nucleotide variant.
Coding change: c.841A>T on transcript NM_003630.3 (MANE Select); coding-DNA position 841, A replaced by T.
Protein change: p.Asn281Tyr; replaces asparagine 281 with tyrosine.
Molecular consequence: missense variant.
Genome position (GRCh38, 1-based): chr6:143,479,098, A>T. VCF-style: chr6-143479098-A-T. GRCh37 (hg19) VCF-style: chr6-143800235-A-T.
Other names: short protein forms N281Y.
Identifiers: ClinVar variation 953302 (VCV000953302.10), dbSNP rs1780192520, ClinGen allele CA365886043.